The following is an entry in ClinVar:

NM_000384.3(APOB):c.7162G>T (p.Asp2388Tyr)

Gene: APOB (apolipoprotein B; minus strand). Cytogenetic location: 2p24.1.
Variant type: single nucleotide variant.
Coding change: c.7162G>T on transcript NM_000384.3 (MANE Select); coding-DNA position 7162, G replaced by T.
Protein change: p.Asp2388Tyr; replaces aspartic acid 2388 with tyrosine.
Molecular consequence: missense variant.
Genome position (GRCh38, 1-based): chr2:21,009,706, C>A on the plus strand (G>T on the coding strand, the complement: APOB is on the minus strand). VCF-style: chr2-21009706-C-A. GRCh37 (hg19) VCF-style: chr2-21232578-C-A.
Other names: short protein forms D2388Y.
Identifiers: ClinVar variation 5027500 (VCV005027500.1).

ClinVar aggregate classification (germline): Uncertain significance (1 of 4 stars; one submission).

Conditions:
Cardiovascular phenotype. Identifiers: MedGen CN230736.

Submission:

Ambry Genetics
Classification: Uncertain significance for Cardiovascular phenotype. Last evaluated: 2026-07-06. Review status: criteria provided, single submitter. Criteria: Ambry Variant Classification Scheme 2023. Collection method: clinical testing. Allele origin: germline.
Comment: The p.D2388Y variant (also known as c.7162G>T), located in coding exon 26 of the APOB gene, results from a G to T substitution at nucleotide position 7162. The aspartic acid at codon 2388 is replaced by tyrosine, an amino acid with highly dissimilar properties. This amino acid position is conserved. In addition, this alteration is predicted to be tolerated by in silico analysis. Based on the available evidence, the clinical significance of this variant remains unclear.